The following is an entry in ClinVar:

NM_005045.4(RELN):c.10314T>G (p.Asn3438Lys)

Genes: RELN (reelin; minus strand), SLC26A5-AS1 (SLC26A5 antisense RNA 1; plus strand). Cytogenetic location: 7q22.1.
Variant type: single nucleotide variant.
Coding change: c.10314T>G on transcript NM_005045.4 (MANE Select); coding-DNA position 10314, T replaced by G.
Protein change: p.Asn3438Lys; replaces asparagine 3438 with lysine.
Molecular consequence: missense variant.
Genome position (GRCh38, 1-based): chr7:103,472,881, A>C on the plus strand (T>G on the coding strand, the complement: RELN is on the minus strand). VCF-style: chr7-103472881-A-C. GRCh37 (hg19) VCF-style: chr7-103113328-A-C.
Other names: c.10308T>G, p.Asn3436Lys (NM_173054.3); short protein forms N3436K, N3438K.
Identifiers: ClinVar variation 2580816 (VCV002580816.1), dbSNP rs780509434, ClinGen allele CA368755913.

ClinVar aggregate classification (germline): Uncertain significance (1 of 4 stars; one submission).

Submission:

GeneDx
Classification: Uncertain significance. Last evaluated: 2023-03-22. Review status: criteria provided, single submitter. Criteria: GeneDx Variant Classification Process June 2021. Collection method: clinical testing. Allele origin: germline. Affected: yes.
Comment: Not observed at significant frequency in large population cohorts (gnomAD); In silico analysis supports that this missense variant does not alter protein structure/function; Has not been previously published as pathogenic or benign to our knowledge